The following is an entry in ClinVar:

ClinVar aggregate classification (germline): Likely benign. Review status: criteria provided, multiple submitters, no conflicts (2 of 4 stars). 2 submissions from 2 submitters: Likely benign (2). Last evaluated 2026-07-01.

Conditions:
Inborn genetic diseases. Identifiers: MedGen C0950123, MeSH D030342.

gnomAD v4.1: 17 of 1,613,554 alleles (0.0011%); highest among the groups gnomAD compares: Middle Eastern, 0.016%; no homozygotes.

Submissions (2):

CeGaT Center for Human Genetics Tuebingen
Classification: Likely benign. Last evaluated: 2026-07-01. Review status: criteria provided, single submitter. Criteria: CeGaT Center For Human Genetics Tuebingen Variant Classification Criteria Version 2. Collection method: clinical testing. Allele origin: germline. Affected: yes. Observed: 1 variant allele.
Comment: TET3: BP4, BP7

Ambry Genetics
Classification: Likely benign for Inborn genetic diseases. Last evaluated: 2024-11-13. Review status: criteria provided, single submitter. Criteria: Ambry Variant Classification Scheme 2023. Collection method: clinical testing. Allele origin: germline.

NM_001287491.2(TET3):c.4536G>A (p.Pro1512=)

Gene: TET3 (tet methylcytosine dioxygenase 3; plus strand). Cytogenetic location: 2p13.1.
Variant type: single nucleotide variant.
Coding change: c.4536G>A on transcript NM_001287491.2 (MANE Select); coding-DNA position 4536, G replaced by A.
Protein change: p.Pro1512=; no amino-acid change (proline 1512 retained).
Molecular consequence: synonymous variant.
Genome position (GRCh38, 1-based): chr2:74,101,324, G>A. VCF-style: chr2-74101324-G-A. GRCh37 (hg19) VCF-style: chr2-74328451-G-A.
Other names: c.4257G>A, p.Pro1419= (NM_001366022.1); c.4131G>A (NM_144993.1).
Identifiers: ClinVar variation 3455409 (VCV003455409.2).